The following is an entry in ClinVar:

NM_000046.5(ARSB):c.289C>T (p.Gln97Ter)

Genes: ARSB (arylsulfatase B; minus strand), LOC129994126 (ATAC-STARR-seq lymphoblastoid silent region 16127; plus strand). Cytogenetic location: 5q14.1.
Variant type: single nucleotide variant.
Coding change: c.289C>T on transcript NM_000046.5 (MANE Select); coding-DNA position 289, C replaced by T.
Protein change: p.Gln97Ter; replaces glutamine 97 with a stop codon.
Molecular consequence: nonsense.
Genome position (GRCh38, 1-based): chr5:78,984,960, G>A on the plus strand (C>T on the coding strand, the complement: ARSB is on the minus strand). VCF-style: chr5-78984960-G-A. GRCh37 (hg19) VCF-style: chr5-78280783-G-A.
Other names: c.289C>T, p.Gln97Ter (NM_198709.3); short protein forms Q97*.
Identifiers: ClinVar variation 559762 (VCV000559762.4), dbSNP rs1554032094, ClinGen allele CA360196382.

ClinVar aggregate classification (germline): Pathogenic/Likely pathogenic. Review status: criteria provided, multiple submitters, no conflicts (2 of 4 stars). 2 submissions from 2 submitters: Pathogenic (1); Likely pathogenic (1). Last evaluated 2023-03-16.

Conditions:
Mucopolysaccharidosis type 6 (MPS6). Also called: N-ACETYLGALACTOSAMINE-4-SULFATASE DEFICIENCY; MPS VI; MPS 6; Maroteaux Lamy syndrome; ARSB DEFICIENCY; ARYLSULFATASE B DEFICIENCY. Identifiers: Orphanet 583, MedGen C0026709, MONDO:0009661, OMIM 253200.

Allele frequency attached by ClinVar (database versions not stated): gnomAD exomes below 0.00001.
gnomAD v4.1: 1 of 1,478,300 alleles (0.000068%); highest among the groups gnomAD compares: Non-Finnish European, 0.00009%; no homozygotes.

Submissions (2):

Labcorp Genetics (formerly Invitae), Labcorp
Classification: Pathogenic for Mucopolysaccharidosis type 6. Last evaluated: 2023-03-16. Review status: criteria provided, single submitter. Criteria: Invitae Variant Classification Sherloc (09022015). Collection method: clinical testing. Allele origin: germline.
Comment: For these reasons, this variant has been classified as Pathogenic. ClinVar contains an entry for this variant (Variation ID: 559762). This premature translational stop signal has been observed in individual(s) with mucopolysaccharidosis type VI (PMID: 14974081). This variant is not present in population databases (gnomAD no frequency). This sequence change creates a premature translational stop signal (p.Gln97*) in the ARSB gene. It is expected to result in an absent or disrupted protein product. Loss-of-function variants in ARSB are known to be pathogenic (PMID: 17458871, 22133300).

Laboratory of Diagnosis and Therapy of Lysosomal Disorders, University of Padova
Classification: Likely pathogenic for Mucopolysaccharidosis type 6. Last evaluated: 2018-01-01. Review status: criteria provided, single submitter. Criteria: ACMG Guidelines, 2015. Collection method: curation. Allele origin: germline. Affected: yes.
Comment: Nonsense variant (PVS1); Absent from GnomAD (PM2)

Literature cited by the submitters: PubMed 14974081 (cited by Labcorp Genetics (formerly Invitae), Labcorp and Laboratory of Diagnosis and Therapy of Lysosomal Disorders, University of Padova); PubMed 17458871 (cited by Labcorp Genetics (formerly Invitae), Labcorp and Laboratory of Diagnosis and Therapy of Lysosomal Disorders, University of Padova); PubMed 22133300 (cited by Labcorp Genetics (formerly Invitae), Labcorp and Laboratory of Diagnosis and Therapy of Lysosomal Disorders, University of Padova); PubMed 30118150 (cited by Laboratory of Diagnosis and Therapy of Lysosomal Disorders, University of Padova).